The following is an entry in ClinVar:

ClinVar aggregate classification (germline): Uncertain significance (1 of 4 stars; one submission).

Conditions:
KBG syndrome (KBGS). Also called: ANKRD11-Related KBG Syndrome. Identifiers: Orphanet 2332, MedGen C0220687, MONDO:0007846, OMIM 148050.

Submission:

Labcorp Genetics (formerly Invitae), Labcorp
Classification: Uncertain significance for KBG syndrome. Last evaluated: 2024-01-24. Review status: criteria provided, single submitter. Criteria: Invitae Variant Classification Sherloc (09022015). Collection method: clinical testing. Allele origin: germline.
Comment: This sequence change replaces proline, which is neutral and non-polar, with threonine, which is neutral and polar, at codon 1991 of the ANKRD11 protein (p.Pro1991Thr). This variant is not present in population databases (gnomAD no frequency). This variant has not been reported in the literature in individuals affected with ANKRD11-related conditions. Advanced modeling of protein sequence and biophysical properties (such as structural, functional, and spatial information, amino acid conservation, physicochemical variation, residue mobility, and thermodynamic stability) performed at Invitae indicates that this missense variant is not expected to disrupt ANKRD11 protein function with a negative predictive value of 95%. In summary, the available evidence is currently insufficient to determine the role of this variant in disease. Therefore, it has been classified as a Variant of Uncertain Significance.

NM_013275.6(ANKRD11):c.5971C>A (p.Pro1991Thr)

Gene: ANKRD11 (ankyrin repeat domain 11; minus strand). Cytogenetic location: 16q24.3.
Variant type: single nucleotide variant.
Coding change: c.5971C>A on transcript NM_013275.6 (MANE Select); coding-DNA position 5971, C replaced by A.
Protein change: p.Pro1991Thr; replaces proline 1991 with threonine.
Molecular consequence: missense variant.
Genome position (GRCh38, 1-based): chr16:89,280,571, G>T on the plus strand (C>A on the coding strand, the complement: ANKRD11 is on the minus strand). VCF-style: chr16-89280571-G-T. GRCh37 (hg19) VCF-style: chr16-89346979-G-T.
Other names: c.5971C>A, p.Pro1991Thr (NM_001256182.2, NM_001256183.2); short protein forms P1991T.
Identifiers: ClinVar variation 2991692 (VCV002991692.3), dbSNP rs565960089, ClinGen allele CA397152312.